The following is an entry in ClinVar:

NM_001184900.3(CARD8):c.1094T>G (p.Met365Arg)

Gene: CARD8 (caspase recruitment domain family member 8; minus strand). Cytogenetic location: 19q13.33.
Variant type: single nucleotide variant.
Coding change: c.1094T>G on transcript NM_001184900.3 (MANE Select); coding-DNA position 1094, T replaced by G.
Protein change: p.Met365Arg; replaces methionine 365 with arginine.
Molecular consequence: missense variant. On other transcripts: non-coding transcript variant (3).
Genome position (GRCh38, 1-based): chr19:48,221,797, A>C on the plus strand (T>G on the coding strand, the complement: CARD8 is on the minus strand). VCF-style: chr19-48221797-A-C. GRCh37 (hg19) VCF-style: chr19-48725054-A-C.
Other names: c.1094T>G (NM_001184900.1); c.944T>G, p.Met315Arg (NM_001184901.1, NM_001351783.2, NM_001351788.2 and 2 more transcripts); c.1094T>G, p.Met365Arg (NM_001184902.2, NM_001184903.1, NM_001351782.2); c.779T>G, p.Met260Arg (NM_001351784.2, NM_001351787.2, NM_001351791.2 and 1 more transcripts); c.758T>G, p.Met253Arg (NM_001351786.2); c.851T>G, p.Met284Arg (NM_001351790.2); c.776T>G, p.Met259Arg (NM_001365950.1); short protein forms M259R, M260R, M284R, M253R, M365R, M315R.
Identifiers: ClinVar variation 1392240 (VCV001392240.10), dbSNP rs149003172, ClinGen allele CA9547795.

ClinVar aggregate classification (germline): Uncertain significance. Review status: criteria provided, multiple submitters, no conflicts (2 of 4 stars). 2 submissions from 2 submitters: Uncertain significance (2). Last evaluated 2026-01-18.

Allele frequency attached by ClinVar (database versions not stated): gnomAD exomes 0.00002 and 0.00006; gnomAD 0.00004; TOPMed 0.00004; ExAC 0.00007; ESP Exome Variant Server 0.00015.
gnomAD v4.1: 41 of 1,610,450 alleles (0.0025%); highest among the groups gnomAD compares: Non-Finnish European, 0.00025%; no homozygotes.

Submissions (2):

Labcorp Genetics (formerly Invitae), Labcorp
Classification: Uncertain significance. Last evaluated: 2026-01-18. Review status: criteria provided, single submitter. Criteria: Invitae Variant Classification Sherloc (09022015). Collection method: clinical testing. Allele origin: germline.
Comment: This sequence change replaces methionine, which is neutral and non-polar, with arginine, which is basic and polar, at codon 315 of the CARD8 protein (p.Met315Arg). This variant is present in population databases (rs149003172, gnomAD 0.1%), and has an allele count higher than expected for a pathogenic variant. This variant has not been reported in the literature in individuals affected with CARD8-related conditions. ClinVar contains an entry for this variant (Variation ID: 1392240). An algorithm developed to predict the effect of missense changes on protein structure and function (PolyPhen-2) suggests that this variant is likely to be tolerated. In summary, the available evidence is currently insufficient to determine the role of this variant in disease. Therefore, it has been classified as a Variant of Uncertain Significance.

Ambry Genetics
Classification: Uncertain significance. Last evaluated: 2025-06-07. Review status: criteria provided, single submitter. Criteria: Ambry Variant Classification Scheme 2023. Collection method: clinical testing. Allele origin: germline.